The following is an entry in ClinVar:

ClinVar aggregate classification (germline): Uncertain significance. Review status: criteria provided, multiple submitters, no conflicts (2 of 4 stars). 2 submissions from 2 submitters: Uncertain significance (2). Last evaluated 2022-09-19.

Conditions:
Primary ciliary dyskinesia 23 (CILD23). Also called: CILIARY DYSKINESIA, PRIMARY, 23, WITH OR WITHOUT SITUS INVERSUS. Identifiers: Orphanet 244, MedGen C3809548, MONDO:0014193, OMIM 615451.
Primary ciliary dyskinesia. Also called: Ciliary dyskinesia. Identifiers: Orphanet 244, MedGen C0008780, MONDO:0016575, HP:0012265.

gnomAD v4.1: 22 of 1,613,978 alleles (0.0014%); highest among the groups gnomAD compares: Admixed American, 0.023%; no homozygotes.

Submissions (2):

Labcorp Genetics (formerly Invitae), Labcorp
Classification: Uncertain significance for Primary ciliary dyskinesia 23. Last evaluated: 2022-09-19. Review status: criteria provided, single submitter. Criteria: Invitae Variant Classification Sherloc (09022015). Collection method: clinical testing. Allele origin: germline.
Comment: This sequence change replaces arginine, which is basic and polar, with serine, which is neutral and polar, at codon 970 of the ARMC4 protein (p.Arg970Ser). This variant is present in population databases (rs776293552, gnomAD 0.01%). This variant has not been reported in the literature in individuals affected with ARMC4-related conditions. ClinVar contains an entry for this variant (Variation ID: 1681342). Algorithms developed to predict the effect of missense changes on protein structure and function (SIFT, PolyPhen-2, Align-GVGD) all suggest that this variant is likely to be tolerated. Algorithms developed to predict the effect of sequence changes on RNA splicing suggest that this variant may create or strengthen a splice site. In summary, the available evidence is currently insufficient to determine the role of this variant in disease. Therefore, it has been classified as a Variant of Uncertain Significance.

Ambry Genetics
Classification: Uncertain significance for Primary ciliary dyskinesia. Last evaluated: 2021-07-14. Review status: criteria provided, single submitter. Criteria: Ambry Variant Classification Scheme 2023. Collection method: clinical testing. Allele origin: germline.

NM_018076.5(ODAD2):c.2908C>A (p.Arg970Ser)

Gene: ODAD2 (outer dynein arm docking complex subunit 2; minus strand). Cytogenetic location: 10p12.1.
Variant type: single nucleotide variant.
Coding change: c.2908C>A on transcript NM_018076.5 (MANE Select); coding-DNA position 2908, C replaced by A.
Protein change: p.Arg970Ser; replaces arginine 970 with serine.
Molecular consequence: missense variant.
Genome position (GRCh38, 1-based): chr10:27,860,738, G>T on the plus strand (C>A on the coding strand, the complement: ODAD2 is on the minus strand). VCF-style: chr10-27860738-G-T. GRCh37 (hg19) VCF-style: chr10-28149667-G-T.
Other names: c.2908C>A, p.Arg970Ser (NM_001290020.2); c.1483C>A, p.Arg495Ser (NM_001290021.2); c.1984C>A, p.Arg662Ser (NM_001312689.2); c.2908C>A (NM_018076.2); short protein forms R495S, R662S, R970S.
Identifiers: ClinVar variation 1681342 (VCV001681342.4), dbSNP rs776293552, ClinGen allele CA5453070.